The following is an entry in ClinVar:

ClinVar aggregate classification (germline): Uncertain significance (1 of 4 stars; one submission).

Conditions:
Autosomal recessive limb-girdle muscular dystrophy type 2D (LGMDR3). Also called: DUCHENNE-LIKE AUTOSOMAL RECESSIVE MUSCULAR DYSTROPHY, TYPE 2; ADHALINOPATHY, PRIMARY; MUSCULAR DYSTROPHY, LIMB-GIRDLE, AUTOSOMAL RECESSIVE 3. Identifiers: Orphanet 62, MedGen C2936332, MONDO:0011968, OMIM 608099. Disease mechanism: Affects gamma-sarcoglycan and also disrupts the integrity of the entire sarcoglycan complex..

Allele frequency attached by ClinVar (database versions not stated): gnomAD exomes 0.00001.

Submission:

Labcorp Genetics (formerly Invitae), Labcorp
Classification: Uncertain significance for Autosomal recessive limb-girdle muscular dystrophy type 2D. Last evaluated: 2022-02-18. Review status: criteria provided, single submitter. Criteria: Invitae Variant Classification Sherloc (09022015). Collection method: clinical testing. Allele origin: germline.
Comment: This sequence change replaces valine, which is neutral and non-polar, with isoleucine, which is neutral and non-polar, at codon 175 of the SGCA protein (p.Val175Ile). The frequency data for this variant in the population databases is considered unreliable, as metrics indicate poor data quality at this position in the gnomAD database. This variant has not been reported in the literature in individuals affected with SGCA-related conditions. Advanced modeling of protein sequence and biophysical properties (such as structural, functional, and spatial information, amino acid conservation, physicochemical variation, residue mobility, and thermodynamic stability) performed at Invitae indicates that this missense variant is not expected to disrupt SGCA protein function. This variant disrupts the p.Val175 amino acid residue in SGCA. Other variant(s) that disrupt this residue have been determined to be pathogenic (PMID: 8069911). This suggests that this residue is clinically significant, and that variants that disrupt this residue are likely to be disease-causing. In summary, the available evidence is currently insufficient to determine the role of this variant in disease. Therefore, it has been classified as a Variant of Uncertain Significance.

Literature cited by the submitters: PubMed 8069911.

NM_000023.4(SGCA):c.523G>A (p.Val175Ile)

Gene: SGCA (sarcoglycan alpha; plus strand). Cytogenetic location: 17q21.33.
Variant type: single nucleotide variant.
Coding change: c.523G>A on transcript NM_000023.4 (MANE Select); coding-DNA position 523, G replaced by A.
Protein change: p.Val175Ile; replaces valine 175 with isoleucine.
Molecular consequence: missense variant. On other transcripts: non-coding transcript variant (1).
Genome position (GRCh38, 1-based): chr17:50,168,511, G>A. VCF-style: chr17-50168511-G-A. GRCh37 (hg19) VCF-style: chr17-48245872-G-A.
Other names: c.523G>A, p.Val175Ile (NM_001135697.3); short protein forms V175I.
Identifiers: ClinVar variation 2148037 (VCV002148037.1), dbSNP rs1472338684, ClinGen allele CA400180046.